The following is an entry in ClinVar:

NM_006922.4(SCN3A):c.3178G>A (p.Glu1060Lys)

Gene: SCN3A (sodium voltage-gated channel alpha subunit 3; minus strand). Cytogenetic location: 2q24.3.
Variant type: single nucleotide variant.
Coding change: c.3178G>A on transcript NM_006922.4 (MANE Select); coding-DNA position 3178, G replaced by A.
Protein change: p.Glu1060Lys; replaces glutamic acid 1060 with lysine.
Molecular consequence: missense variant.
Genome position (GRCh38, 1-based): chr2:165,127,846, C>T on the plus strand (G>A on the coding strand, the complement: SCN3A is on the minus strand). VCF-style: chr2-165127846-C-T. GRCh37 (hg19) VCF-style: chr2-165984356-C-T.
Other names: c.3031G>A, p.Glu1011Lys (NM_001081676.2, NM_001081677.2); short protein forms E1011K, E1060K.
Identifiers: ClinVar variation 2827814 (VCV002827814.3), dbSNP rs751094000, ClinGen allele CA349040933.

ClinVar aggregate classification (germline): Uncertain significance (1 of 4 stars; one submission).

Submission:

Labcorp Genetics (formerly Invitae), Labcorp
Classification: Uncertain significance. Last evaluated: 2023-01-12. Review status: criteria provided, single submitter. Criteria: Invitae Variant Classification Sherloc (09022015). Collection method: clinical testing. Allele origin: germline.
Comment: This sequence change replaces glutamic acid, which is acidic and polar, with lysine, which is basic and polar, at codon 1060 of the SCN3A protein (p.Glu1060Lys). In summary, the available evidence is currently insufficient to determine the role of this variant in disease. Therefore, it has been classified as a Variant of Uncertain Significance. Advanced modeling of protein sequence and biophysical properties (such as structural, functional, and spatial information, amino acid conservation, physicochemical variation, residue mobility, and thermodynamic stability) performed at Invitae indicates that this missense variant is not expected to disrupt SCN3A protein function. This variant has not been reported in the literature in individuals affected with SCN3A-related conditions. This variant is not present in population databases (gnomAD no frequency).